The following is an entry in ClinVar:

ClinVar aggregate classification (germline): Uncertain significance (1 of 4 stars; one submission).

Submission:

Ambry Genetics
Classification: Uncertain significance. Last evaluated: 2021-08-29. Review status: criteria provided, single submitter. Criteria: Ambry Variant Classification Scheme 2023. Collection method: clinical testing. Allele origin: germline.
Comment: The p.P1079L variant (also known as c.3236C>T), located in coding exon 17 of the NPAT gene, results from a C to T substitution at nucleotide position 3236. The proline at codon 1079 is replaced by leucine, an amino acid with similar properties. This amino acid position is conserved. In addition, this alteration is predicted to be tolerated by in silico analysis. Since supporting evidence is limited at this time, the clinical significance of this alteration remains unclear.

NM_002519.3(NPAT):c.3236C>T (p.Pro1079Leu)

Gene: NPAT (nuclear protein, coactivator of histone transcription; minus strand). Cytogenetic location: 11q22.3.
Variant type: single nucleotide variant.
Coding change: c.3236C>T on transcript NM_002519.3 (MANE Select); coding-DNA position 3236, C replaced by T.
Protein change: p.Pro1079Leu; replaces proline 1079 with leucine.
Molecular consequence: missense variant.
Genome position (GRCh38, 1-based): chr11:108,161,850, G>A on the plus strand (C>T on the coding strand, the complement: NPAT is on the minus strand). VCF-style: chr11-108161850-G-A. GRCh37 (hg19) VCF-style: chr11-108032577-G-A.
Other names: c.3257C>T, p.Pro1086Leu (NM_001321307.1); short protein forms P1086L, P1079L.
Identifiers: ClinVar variation 1729242 (VCV001729242.2), dbSNP rs2077854166, ClinGen allele CA382511251.